The following is an entry in ClinVar:

NM_001190274.2(FBXO11):c.539C>G (p.Ala180Gly)

Gene: FBXO11 (F-box protein 11; minus strand). Cytogenetic location: 2p16.3.
Variant type: single nucleotide variant.
Coding change: c.539C>G on transcript NM_001190274.2 (MANE Select); coding-DNA position 539, C replaced by G.
Protein change: p.Ala180Gly; replaces alanine 180 with glycine.
Molecular consequence: missense variant.
Genome position (GRCh38, 1-based): chr2:47,838,907, G>C on the plus strand (C>G on the coding strand, the complement: FBXO11 is on the minus strand). VCF-style: chr2-47838907-G-C. GRCh37 (hg19) VCF-style: chr2-48066046-G-C.
Other names: c.287C>G, p.Ala96Gly (NM_001374325.1, NM_025133.4); short protein forms A180G, A96G.
Identifiers: ClinVar variation 3376013 (VCV003376013.1).
Genomic context (GRCh38, chr2:47,838,907, plus strand): 5'-GTTTTTACTTACCACAAAATTGGATCATTAGCAAGTTCACTGAAGCGTTTACATACACAA[G>C]CTGCTCTACAAAGATCCTGTTCCAGCAAGTAAGAGAAGATTTTTAGAACCACTTCATCTG-3'
Protein context (NP_001177203.1, residues 170-190): YLLEQDLCRA[Ala180Gly]CVCKRFSELA

ClinVar aggregate classification (germline): Uncertain significance (1 of 4 stars; one submission).

Submission:

GeneDx
Classification: Uncertain significance. Last evaluated: 2024-05-02. Review status: criteria provided, single submitter. Criteria: GeneDx Variant Classification Process June 2021. Collection method: clinical testing. Allele origin: germline. Affected: yes.
Comment: Not observed at significant frequency in large population cohorts (gnomAD); In silico analysis supports that this missense variant has a deleterious effect on protein structure/function; Has not been previously published as pathogenic or benign to our knowledge